The following is an entry in ClinVar:

ClinVar aggregate classification (germline): Likely pathogenic (1 of 4 stars; one submission).

Submission:

Dasa
Classification: Likely pathogenic. Last evaluated: 2025-02-26. Review status: criteria provided, single submitter. Criteria: DASA Assertion Criteria. Collection method: clinical testing. Allele origin: germline.
Comment: NM_001135254.2(PAX7):c.282del (p.Ser95Profs*20) is a frameshift variant in PAX7 predicted to alter the reading frame and introduce a premature termination codon and is predicted to result in an absent or altered protein product. Loss of function is an established disease mechanism for PAX7-associated disorders. Also, this variant is absent from population databases. Based on the currently available evidence, this variant is classified as likely pathogenic.

NM_001135254.2(PAX7):c.282del (p.Ser95fs)

Gene: PAX7 (paired box 7; plus strand). Cytogenetic location: 1p36.13.
Variant type: Deletion.
Coding change: c.282del on transcript NM_001135254.2 (MANE Select); coding-DNA position 282, one base deleted (G; older notation c.282delG).
Protein change: p.Ser95fs; shifts the reading frame from serine 95.
Molecular consequence: frameshift variant.
Genome position (GRCh38, 1-based): chr1:18,634,499, G deleted; the last of 3 consecutive G bases (chr1:18,634,497-18,634,499); deleting any one gives the same sequence. VCF-style (leftmost placement, unchanged base first): chr1-18634496-CG-C. GRCh37 (hg19) VCF-style: chr1-18960990-CG-C.
Other names: c.282del, p.Ser95fs (NM_002584.3, NM_013945.3); short protein forms S95fs.
Identifiers: ClinVar variation 4880523 (VCV004880523.2).